The following is an entry in ClinVar:

ClinVar aggregate classification (germline): Uncertain significance. Review status: criteria provided, multiple submitters, no conflicts (2 of 4 stars). 2 submissions from 2 submitters: Uncertain significance (2). Last evaluated 2025-01-20.

Conditions:
Inborn genetic diseases. Identifiers: MedGen C0950123, MeSH D030342.
Fanconi anemia (FA). Also called: Fanconi's anemia. Identifiers: Orphanet 84, MedGen C0015625, MeSH D005199, MONDO:0019391.

Allele frequency attached by ClinVar (database versions not stated): gnomAD exomes below 0.00001.
gnomAD v4.1: 1 of 1,613,990 alleles (0.000062%); highest among the groups gnomAD compares: Admixed American, 0.0017%; no homozygotes.

Submissions (2):

Ambry Genetics
Classification: Uncertain significance for Inborn genetic diseases. Last evaluated: 2025-01-20. Review status: criteria provided, single submitter. Criteria: Ambry Variant Classification Scheme 2023. Collection method: clinical testing. Allele origin: germline.

Labcorp Genetics (formerly Invitae), Labcorp
Classification: Uncertain significance for Fanconi anemia. Last evaluated: 2023-11-20. Review status: criteria provided, single submitter. Criteria: Invitae Variant Classification Sherloc (09022015). Collection method: clinical testing. Allele origin: germline.
Comment: This sequence change replaces asparagine, which is neutral and polar, with aspartic acid, which is acidic and polar, at codon 82 of the FANCF protein (p.Asn82Asp). This variant is not present in population databases (gnomAD no frequency). This variant has not been reported in the literature in individuals affected with FANCF-related conditions. ClinVar contains an entry for this variant (Variation ID: 2181611). Advanced modeling of protein sequence and biophysical properties (such as structural, functional, and spatial information, amino acid conservation, physicochemical variation, residue mobility, and thermodynamic stability) has been performed at Invitae for this missense variant, however the output from this modeling did not meet the statistical confidence thresholds required to predict the impact of this variant on FANCF protein function. In summary, the available evidence is currently insufficient to determine the role of this variant in disease. Therefore, it has been classified as a Variant of Uncertain Significance.

NM_022725.4(FANCF):c.244A>G (p.Asn82Asp)

Gene: FANCF (FA complementation group F; minus strand). Cytogenetic location: 11p14.3.
Variant type: single nucleotide variant.
Coding change: c.244A>G on transcript NM_022725.4 (MANE Select); coding-DNA position 244, A replaced by G.
Protein change: p.Asn82Asp; replaces asparagine 82 with aspartic acid.
Molecular consequence: missense variant.
Genome position (GRCh38, 1-based): chr11:22,625,567, T>C on the plus strand (A>G on the coding strand, the complement: FANCF is on the minus strand). VCF-style: chr11-22625567-T-C. GRCh37 (hg19) VCF-style: chr11-22647113-T-C.
Other names: short protein forms N82D.
Identifiers: ClinVar variation 2181611 (VCV002181611.3), dbSNP rs2494869668, ClinGen allele CA380059427.
Genomic context (GRCh38, chr11:22,625,567, plus strand): 5'-CCCGGTTCTCCAGCAGGCGCAGAGAGAGCAGGACGTCACAGTGACCGAGGGCCTGGAAGT[T>C]CGCTAATCCCGGAACTGGACCCCGCCCAAAGCCGCCCTCTTGCCTCCACTGGTTGTGCAG-3'
Protein context (NP_073562.1, residues 72-92): FGRGPVPGLA[Asn82Asp]FQALGHCDVL